The following is an entry in ClinVar:

NM_006941.4(SOX10):c.982A>G (p.Ser328Gly)

Genes: POLR2F (RNA polymerase II, I and III subunit F; plus strand), SOX10 (SRY-box transcription factor 10; minus strand). Cytogenetic location: 22q13.1.
Variant type: single nucleotide variant.
Coding change: c.982A>G on transcript NM_006941.4 (MANE Select); coding-DNA position 982, A replaced by G.
Protein change: p.Ser328Gly; replaces serine 328 with glycine.
Molecular consequence: missense variant. On other transcripts: intron variant (3).
Genome position (GRCh38, 1-based): chr22:37,973,914, T>C on the plus strand (A>G on the coding strand, the complement: SOX10 is on the minus strand). VCF-style: chr22-37973914-T-C. GRCh37 (hg19) VCF-style: chr22-38369921-T-C.
Other names: c.*38+1604T>C (NM_001363825.1); c.293+6744T>C (NM_001301130.2, NM_001301131.2); short protein forms S328G.
Identifiers: ClinVar variation 2959213 (VCV002959213.3), dbSNP rs922690509, ClinGen allele CA324160973.
Genomic context (GRCh38, chr22:37,973,914, plus strand): 5'-GTGGTGAGACCGTGGGCAGAGCCACGCCTGGTGGCTTGGAGATCCAGGCGGAGTGTCCAC[T>C]GGCCACGGCCAGGGCACTGCCCAGCCCATAGCCGGCTGCTGAGTAGCTGCTCACATGGCC-3'
Protein context (NP_008872.1, residues 318-338): YGLGSALAVA[Ser328Gly]GHSAWISKPP

ClinVar aggregate classification (germline): Uncertain significance (1 of 4 stars; one submission).

Allele frequency attached by ClinVar (database versions not stated): gnomAD exomes below 0.00001; TOPMed below 0.00001.
gnomAD v4.1: 2 of 1,610,228 alleles (0.00012%); highest among the groups gnomAD compares: African/African-American, 0.0013%; no homozygotes.

Submission:

Labcorp Genetics (formerly Invitae), Labcorp
Classification: Uncertain significance. Last evaluated: 2022-11-18. Review status: criteria provided, single submitter. Criteria: Invitae Variant Classification Sherloc (09022015). Collection method: clinical testing. Allele origin: germline.
Comment: This sequence change replaces serine, which is neutral and polar, with glycine, which is neutral and non-polar, at codon 328 of the SOX10 protein (p.Ser328Gly). In summary, the available evidence is currently insufficient to determine the role of this variant in disease. Therefore, it has been classified as a Variant of Uncertain Significance. Advanced modeling of protein sequence and biophysical properties (such as structural, functional, and spatial information, amino acid conservation, physicochemical variation, residue mobility, and thermodynamic stability) performed at Invitae indicates that this missense variant is not expected to disrupt SOX10 protein function. This variant has not been reported in the literature in individuals affected with SOX10-related conditions. This variant is present in population databases (no rsID available, gnomAD 0.007%).